The following is an entry in ClinVar:

NM_020964.3(EPG5):c.3496C>G (p.Leu1166Val)

Gene: EPG5 (ectopic P-granules 5 autophagy tethering factor; minus strand). Cytogenetic location: 18q21.1.
Variant type: single nucleotide variant.
Coding change: c.3496C>G on transcript NM_020964.3 (MANE Select); coding-DNA position 3496, C replaced by G.
Protein change: p.Leu1166Val; replaces leucine 1166 with valine.
Molecular consequence: missense variant.
Genome position (GRCh38, 1-based): chr18:45,916,095, G>C on the plus strand (C>G on the coding strand, the complement: EPG5 is on the minus strand). VCF-style: chr18-45916095-G-C. GRCh37 (hg19) VCF-style: chr18-43496060-G-C.
Other names: c.3496C>G, p.Leu1166Val (LRG_1234t1); c.3496C>G (NM_020964.2); short protein forms L1166V.
Identifiers: ClinVar variation 626097 (VCV000626097.12), dbSNP rs772777352, ClinGen allele CA8949152.
Genomic context (GRCh38, chr18:45,916,095, plus strand): 5'-GTATGCAGTCTTCCTGCATCAGCTGAAAAGCTGCTTTACACAAGTGGTCCATGAGGAAGA[G>C]GATAGGTTGTTCTCGGTACCAGAGATGCTGGCTTATGAGAGCCTGAACCCAGAACTCCAA-3'
Protein context (NP_066015.2, residues 1156-1176): QHLWYREQPI[Leu1166Val]FLMDHLCKAA

ClinVar aggregate classification (germline): Uncertain significance. Review status: criteria provided, multiple submitters, no conflicts (2 of 4 stars). 4 submissions from 4 submitters: Uncertain significance (4). Last evaluated 2026-01-05.

Conditions:
Inborn genetic diseases. Identifiers: MedGen C0950123, MeSH D030342.
Vici syndrome (VICIS). Identifiers: Orphanet 1493, MedGen C1855772, MONDO:0009452, OMIM 242840.

Allele frequency attached by ClinVar (database versions not stated): gnomAD 0.00001; ExAC 0.00002; gnomAD exomes 0.00002 and 0.00004; TOPMed 0.00003.
gnomAD v4.1: 15 of 1,614,042 alleles (0.00093%); highest among the groups gnomAD compares: Admixed American, 0.025%; no homozygotes.

Submissions (4):

Labcorp Genetics (formerly Invitae), Labcorp
Classification: Uncertain significance for Vici syndrome. Last evaluated: 2026-01-05. Review status: criteria provided, single submitter. Criteria: Invitae Variant Classification Sherloc (09022015). Collection method: clinical testing. Allele origin: germline.
Comment: This sequence change replaces leucine, which is neutral and non-polar, with valine, which is neutral and non-polar, at codon 1166 of the EPG5 protein (p.Leu1166Val). This variant is present in population databases (rs772777352, gnomAD 0.03%). This variant has not been reported in the literature in individuals affected with EPG5-related conditions. ClinVar contains an entry for this variant (Variation ID: 626097). Invitae Evidence Modeling of protein sequence and biophysical properties (such as structural, functional, and spatial information, amino acid conservation, physicochemical variation, residue mobility, and thermodynamic stability) indicates that this missense variant is not expected to disrupt EPG5 protein function with a negative predictive value of 80%. In summary, the available evidence is currently insufficient to determine the role of this variant in disease. Therefore, it has been classified as a Variant of Uncertain Significance.

Ambry Genetics
Classification: Uncertain significance for Inborn genetic diseases. Last evaluated: 2025-08-04. Review status: criteria provided, single submitter. Criteria: Ambry Variant Classification Scheme 2023. Collection method: clinical testing. Allele origin: germline.

Center for Genomics, Ann and Robert H. Lurie Children's Hospital of Chicago
Classification: Uncertain significance for Vici syndrome. Last evaluated: 2021-03-30. Review status: criteria provided, single submitter. Criteria: ACMG Guidelines, 2015. Collection method: clinical testing. Allele origin: germline.
Comment: EPG5 NM_020964.2 exon 19 p.Leu1166Val (c.3496C>G): This variant has not been reported in the literature and is present in 0.03% (11/34522) of Latino alleles in the Genome Aggregation Database. Evolutionary conservation and computational predictive tools suggest that this variant may impact the protein. In summary, data on this variant is insufficient for disease classification. Therefore, the clinical significance of this variant is uncertain.

Knight Diagnostic Laboratories, Oregon Health and Sciences University
Classification: Uncertain significance for Vici syndrome. Last evaluated: 2019-03-18. Review status: criteria provided, single submitter. Criteria: ACMG Guidelines, 2015. Collection method: clinical testing. Allele origin: germline. Observed: 2 variant alleles.